The following is an entry in ClinVar:

NM_004260.4(RECQL4):c.1588G>A (p.Val530Ile)

Gene: RECQL4 (RecQ like helicase 4; minus strand). Cytogenetic location: 8q24.3.
Variant type: single nucleotide variant.
Coding change: c.1588G>A on transcript NM_004260.4 (MANE Select); coding-DNA position 1588, G replaced by A.
Protein change: p.Val530Ile; replaces valine 530 with isoleucine.
Molecular consequence: missense variant.
Genome position (GRCh38, 1-based): chr8:144,514,968, C>T on the plus strand (G>A on the coding strand, the complement: RECQL4 is on the minus strand). VCF-style: chr8-144514968-C-T. GRCh37 (hg19) VCF-style: chr8-145740352-C-T.
Other names: short protein forms V530I.
Identifiers: ClinVar variation 529000 (VCV000529000.8), dbSNP rs1554900626, ClinGen allele CA372683568.
Genomic context (GRCh38, chr8:144,514,968, plus strand): 5'-ACGTGTGCCCAGGGCCCTGTGTGCACACCTGGTCATCCATGAGTGACAGCAGGGGAGAGA[C>T]GACCAACGTGAGGCAGGGGCTGCGCCGGCTGTAGAGCAGCGCTGGGAGCTGGTAGCACAG-3'
Protein context (NP_004251.4, residues 520-540): SRRSPCLTLV[Val530Ile]SPLLSLMDDQ

ClinVar aggregate classification (germline): Conflicting classifications of pathogenicity. Review status: criteria provided, conflicting classifications (1 of 4 stars). 2 submissions from 2 submitters: Uncertain significance (1); Likely benign (1). Last evaluated 2025-02-05.

Conditions:
Baller-Gerold syndrome (BGS). Also called: CRANIOSYNOSTOSIS WITH RADIAL DEFECTS. Identifiers: Orphanet 1225, MedGen C0265308, MONDO:0009039, OMIM 218600.
Inborn genetic diseases. Identifiers: MedGen C0950123, MeSH D030342.

Allele frequency attached by ClinVar (database versions not stated): gnomAD exomes 0.00001.

Submissions (2):

Ambry Genetics
Classification: Likely benign for Inborn genetic diseases. Last evaluated: 2025-02-05. Review status: criteria provided, single submitter. Criteria: Ambry Variant Classification Scheme 2023. Collection method: clinical testing. Allele origin: germline.

Labcorp Genetics (formerly Invitae), Labcorp
Classification: Uncertain significance for Baller-Gerold syndrome. Last evaluated: 2025-01-23. Review status: criteria provided, single submitter. Criteria: Invitae Variant Classification Sherloc (09022015). Collection method: clinical testing. Allele origin: germline.
Comment: This sequence change replaces valine, which is neutral and non-polar, with isoleucine, which is neutral and non-polar, at codon 530 of the RECQL4 protein (p.Val530Ile). This variant is not present in population databases (gnomAD no frequency). This variant has not been reported in the literature in individuals affected with RECQL4-related conditions. ClinVar contains an entry for this variant (Variation ID: 529000). Invitae Evidence Modeling of protein sequence and biophysical properties (such as structural, functional, and spatial information, amino acid conservation, physicochemical variation, residue mobility, and thermodynamic stability) indicates that this missense variant is not expected to disrupt RECQL4 protein function with a negative predictive value of 80%. In summary, the available evidence is currently insufficient to determine the role of this variant in disease. Therefore, it has been classified as a Variant of Uncertain Significance.